The following is an entry in ClinVar:

NM_001458.5(FLNC):c.3115G>A (p.Asp1039Asn)

Gene: FLNC (filamin C; plus strand). Cytogenetic location: 7q32.1.
Variant type: single nucleotide variant.
Coding change: c.3115G>A on transcript NM_001458.5 (MANE Select); coding-DNA position 3115, G replaced by A.
Protein change: p.Asp1039Asn; replaces aspartic acid 1039 with asparagine.
Molecular consequence: missense variant.
Genome position (GRCh38, 1-based): chr7:128,844,189, G>A. VCF-style: chr7-128844189-G-A. GRCh37 (hg19) VCF-style: chr7-128484243-G-A.
Other names: c.3115G>A, p.Asp1039Asn (NM_001127487.2); short protein forms D1039N.
Identifiers: ClinVar variation 1004035 (VCV001004035.9), dbSNP rs1808458838, ClinGen allele CA369194412.

ClinVar aggregate classification (germline): Uncertain significance (1 of 4 stars; one submission).

Conditions:
Distal myopathy with posterior leg and anterior hand involvement. Also called: WILLIAMS DISTAL MYOPATHY. Identifiers: Orphanet 63273, MedGen C3279722, MONDO:0013550, OMIM 614065.
Hypertrophic cardiomyopathy 26. Also called: Cardiomyopathy, familial hypertrophic, 26. Identifiers: Orphanet 75249, MedGen C4310749, MONDO:0014883, OMIM 617047.
Myofibrillar myopathy 5. Also called: Filaminopathy (type); FILAMINOPATHY, AUTOSOMAL DOMINANT. Identifiers: Orphanet 171445, MedGen C1836050, MONDO:0012289, OMIM 609524.

Submission:

Labcorp Genetics (formerly Invitae), Labcorp
Classification: Uncertain significance for Distal myopathy with posterior leg and anterior hand involvement; Myofibrillar myopathy 5; Hypertrophic cardiomyopathy 26. Last evaluated: 2020-07-15. Review status: criteria provided, single submitter. Criteria: Invitae Variant Classification Sherloc (09022015). Collection method: clinical testing. Allele origin: germline.
Comment: Algorithms developed to predict the effect of sequence changes on RNA splicing suggest that this variant may create or strengthen a splice site, but this prediction has not been confirmed by published transcriptional studies. In summary, the available evidence is currently insufficient to determine the role of this variant in disease. Therefore, it has been classified as a Variant of Uncertain Significance. This sequence change replaces aspartic acid with asparagine at codon 1039 of the FLNC protein (p.Asp1039Asn). The aspartic acid residue is moderately conserved and there is a small physicochemical difference between aspartic acid and asparagine. Algorithms developed to predict the effect of missense changes on protein structure and function are either unavailable or do not agree on the potential impact of this missense change (SIFT: "Deleterious"; PolyPhen-2: "Benign"; Align-GVGD: "Class C0"). This variant has not been reported in the literature in individuals with FLNC-related conditions. This variant is not present in population databases (ExAC no frequency).